The following is an entry in ClinVar:

NM_053025.4(MYLK):c.166-1G>A

Gene: MYLK (myosin light chain kinase; minus strand). Cytogenetic location: 3q21.1.
Variant type: single nucleotide variant.
Coding change: c.166-1G>A on transcript NM_053025.4 (MANE Select); the canonical splice acceptor site of the intron before coding-DNA position 166, G replaced by A.
Molecular consequence: splice acceptor variant. On other transcripts: intron variant (1).
Genome position (GRCh38, 1-based): chr3:123,752,539, C>T on the plus strand (G>A on the coding strand, the complement: MYLK is on the minus strand). VCF-style: chr3-123752539-C-T. GRCh37 (hg19) VCF-style: chr3-123471386-C-T.
Other names: c.-155-12538G>A (NM_001321309.2); c.166-1G>A (NM_053028.4, NM_053026.4, NM_053027.4).
Identifiers: ClinVar variation 4743079 (VCV004743079.1).
Genomic context (GRCh38, chr3:123,752,539, plus strand): 5'-GCTGGTGATGGGTTGCCCGTTTCTGTGCCATGTCACCTGGGGCTCTGGGTAACCCCGGAC[C>T]TTCAAGAAAAAGAAGAAAGGGTAAGAGCCTGTATTTCATGAGTACTCTCTCTGTGTCAGG-3'

ClinVar aggregate classification (germline): Uncertain significance (1 of 4 stars; one submission).

Conditions:
Aortic aneurysm, familial thoracic 7 (AAT7). Also called: AORTIC DISSECTION, FAMILIAL, WITH OR WITHOUT AORTIC ANEURYSM. Identifiers: MedGen C3151077, MONDO:0013418, OMIM 613780.

gnomAD v4.1: 1 of 1,611,998 alleles (0.000062%); highest among the groups gnomAD compares: Non-Finnish European, 0.000085%; no homozygotes.

Submission:

Labcorp Genetics (formerly Invitae), Labcorp
Classification: Uncertain significance for Aortic aneurysm, familial thoracic 7. Last evaluated: 2025-11-14. Review status: criteria provided, single submitter. Criteria: Invitae Variant Classification Sherloc (09022015). Collection method: clinical testing. Allele origin: germline.
Comment: This sequence change affects an acceptor splice site in intron 4 of the MYLK gene. This variant occurs in the long isoform of MYLK (PMID: 21055718). The current clinical and genetic evidence is not sufficient to establish whether loss-of-function variants in the long isoform of MYLK cause disease. This variant is not present in population databases (gnomAD no frequency). This variant has not been reported in the literature in individuals affected with MYLK-related conditions. Algorithms developed to predict the effect of sequence changes on RNA splicing suggest that this variant may disrupt the consensus splice site. In summary, the available evidence is currently insufficient to determine the role of this variant in disease. Therefore, it has been classified as a Variant of Uncertain Significance.

Literature cited by the submitters: PubMed 21055718.